The following is an entry in ClinVar:

ClinVar aggregate classification (germline): Likely benign. Review status: criteria provided, multiple submitters, no conflicts (2 of 4 stars). 5 submissions from 5 submitters: Likely benign (5). Last evaluated 2025-09-10.

Conditions:
Hereditary cancer-predisposing syndrome. Also called: Hereditary neoplastic syndrome; Neoplastic Syndromes, Hereditary; Tumor predisposition; Hereditary Cancer Syndrome. Identifiers: Orphanet 140162, MedGen C0027672, MeSH D009386, MONDO:0015356.
Hereditary breast ovarian cancer syndrome. Also called: Hereditary breast and/or ovarian cancer syndrome; BRCA1- and BRCA2-Associated Hereditary Breast and Ovarian Cancer; Hereditary breast and ovarian cancer; Breast and ovarian cancer; Hereditary breast and ovarian cancer syndrome; Hereditary breast and ovarian cancer syndrome (HBOC). Identifiers: Orphanet 145, MedGen C0677776, MeSH D061325, MONDO:0003582. Disease mechanism: loss of function.
Breast-ovarian cancer, familial, susceptibility to, 2 (BROVCA2). Also called: BRCA2 Hereditary Breast and Ovarian Cancer. Identifiers: Orphanet 145, MedGen C2675520, MONDO:0012933, OMIM 612555. Disease mechanism: loss of function.

Allele frequency attached by ClinVar (database versions not stated): gnomAD exomes below 0.00001.
gnomAD v4.1: 1 of 1,612,962 alleles (0.000062%); highest among the groups gnomAD compares: Non-Finnish European, 0.000085%; no homozygotes.

Submissions (5):

Labcorp Genetics (formerly Invitae), Labcorp
Classification: Likely benign for Hereditary breast ovarian cancer syndrome. Last evaluated: 2025-09-10. Review status: criteria provided, single submitter. Criteria: Invitae Variant Classification Sherloc (09022015). Collection method: clinical testing. Allele origin: germline.

All of Us Research Program, National Institutes of Health
Classification: Likely benign for Breast-ovarian cancer, familial, susceptibility to, 2. Last evaluated: 2023-08-28. Review status: criteria provided, single submitter. Criteria: ACMG Guidelines, 2015. Collection method: clinical testing. Allele origin: germline. Inheritance: Autosomal dominant inheritance. Observed: 2 variant alleles, 2 heterozygotes.
Comment: This study involves interpretation of variants in research participants for the purpose of population health screening. Participant phenotype was not available at the time of variant classification. Additional details can be found in publication PMID: 35346344, PMCID: PMC8962531

Ambry Genetics
Classification: Likely benign for Hereditary cancer-predisposing syndrome. Last evaluated: 2019-02-27. Review status: criteria provided, single submitter. Criteria: Ambry Variant Classification Scheme 2023. Collection method: clinical testing. Allele origin: germline.

GeneDx
Classification: Likely benign. Last evaluated: 2018-02-05. Review status: criteria provided, single submitter. Criteria: GeneDx Variant Classification (06012015). Collection method: clinical testing. Allele origin: germline. Affected: yes.
Comment: This variant is considered likely benign or benign based on one or more of the following criteria: it is a conservative change, it occurs at a poorly conserved position in the protein, it is predicted to be benign by multiple in silico algorithms, and/or has population frequency not consistent with disease.

Color Diagnostics, LLC DBA Color Health
Classification: Likely benign for Hereditary cancer-predisposing syndrome. Last evaluated: 2017-10-02. Review status: criteria provided, single submitter. Criteria: ACMG Guidelines, 2015. Collection method: clinical testing. Allele origin: germline.

NM_000059.4(BRCA2):c.69T>C (p.Asp23=)

Gene: BRCA2 (BRCA2 DNA repair associated; plus strand). Cytogenetic location: 13q13.1.
Variant type: single nucleotide variant.
Coding change: c.69T>C on transcript NM_000059.4 (MANE Select); coding-DNA position 69, T replaced by C.
Protein change: p.Asp23=; no amino-acid change (aspartic acid 23 retained).
Molecular consequence: synonymous variant.
Genome position (GRCh38, 1-based): chr13:32,319,078, T>C. VCF-style: chr13-32319078-T-C. GRCh37 (hg19) VCF-style: chr13-32893215-T-C.
Identifiers: ClinVar variation 462424 (VCV000462424.16), dbSNP rs1555280330, ClinGen allele CA483435732.